The following is an entry in ClinVar:

NM_000285.4(PEPD):c.1433G>A (p.Cys478Tyr)

Gene: PEPD (peptidase D; minus strand). Cytogenetic location: 19q13.11.
Variant type: single nucleotide variant.
Coding change: c.1433G>A on transcript NM_000285.4 (MANE Select); coding-DNA position 1433, G replaced by A.
Protein change: p.Cys478Tyr; replaces cysteine 478 with tyrosine.
Molecular consequence: missense variant.
Genome position (GRCh38, 1-based): chr19:33,387,393, C>T on the plus strand (G>A on the coding strand, the complement: PEPD is on the minus strand). VCF-style: chr19-33387393-C-T. GRCh37 (hg19) VCF-style: chr19-33878299-C-T.
Other names: p.Cys478Tyr; c.1310G>A, p.Cys437Tyr (NM_001166056.2); c.1241G>A, p.Cys414Tyr (NM_001166057.2); short protein forms C414Y, C437Y, C478Y.
Identifiers: ClinVar variation 2683487 (VCV002683487.1), dbSNP rs372530277, ClinGen allele CA307568372.

ClinVar aggregate classification (germline): Uncertain significance (1 of 4 stars; one submission).

gnomAD v4.1: 3 of 1,613,994 alleles (0.00019%); highest among the groups gnomAD compares: Non-Finnish European, 0.00025%; no homozygotes.

Submission:

Mayo Clinic Laboratories, Mayo Clinic
Classification: Uncertain significance. Last evaluated: 2023-06-09. Review status: criteria provided, single submitter. Criteria: ACMG Guidelines, 2015. Collection method: clinical testing. Allele origin: germline. Observed: 1 variant allele.
Comment: BP4, PM2